The following is an entry in ClinVar:

NM_000136.3(FANCC):c.1151A>G (p.His384Arg)

Genes: AOPEP (aminopeptidase O (putative); plus strand), FANCC (FA complementation group C; minus strand). Cytogenetic location: 9q22.32.
Variant type: single nucleotide variant.
Coding change: c.1151A>G on transcript NM_000136.3 (MANE Select); coding-DNA position 1151, A replaced by G.
Protein change: p.His384Arg; replaces histidine 384 with arginine.
Molecular consequence: missense variant.
Genome position (GRCh38, 1-based): chr9:95,114,632, T>C on the plus strand (A>G on the coding strand, the complement: FANCC is on the minus strand). VCF-style: chr9-95114632-T-C. GRCh37 (hg19) VCF-style: chr9-97876914-T-C.
Other names: c.1151A>G, p.His384Arg (NM_001243743.2, NM_001243744.2); short protein forms H384R.
Identifiers: ClinVar variation 818425 (VCV000818425.14), dbSNP rs577302082, ClinGen allele CA5137451.
Genomic context (GRCh38, chr9:95,114,632, plus strand): 5'-GAGGATCTAGGGAAACCATGTGTGAAGTAGATTTGGGAGTGGTCAGTGTTTGCTCACCCA[T>C]GAGTCTGGTCTTCAACTGCTTCTCTGAGCAGTTCAGAAATATGCTTCAGTGTCTGGAGCC-3'
Protein context (NP_000127.2, residues 374-394): LLREAVEDQT[His384Arg]GSCGGPFESW

ClinVar aggregate classification (germline): Uncertain significance. Review status: criteria provided, multiple submitters, no conflicts (2 of 4 stars). 6 submissions from 6 submitters: Uncertain significance (5). 1 of the submissions does not count toward it. Last evaluated 2025-12-29.

Conditions:
Fanconi anemia complementation group C (FANCC). Also called: FANCONI PANCYTOPENIA, TYPE 3; FACC; FANCC-Related Fanconi Anemia; Fanconi anemia, group C. Identifiers: Orphanet 84, MedGen C3468041, MONDO:0009213, OMIM 227645.
Fanconi anemia (FA). Also called: Fanconi's anemia. Identifiers: Orphanet 84, MedGen C0015625, MeSH D005199, MONDO:0019391.
Hereditary cancer-predisposing syndrome. Also called: Tumor predisposition; Hereditary neoplastic syndrome; Neoplastic Syndromes, Hereditary; Hereditary Cancer Syndrome. Identifiers: Orphanet 140162, MedGen C0027672, MeSH D009386, MONDO:0015356.

Allele frequency attached by ClinVar (database versions not stated): gnomAD exomes below 0.00001; ExAC 0.00001; gnomAD 0.00001; TOPMed 0.00002; 1000 Genomes Project 30x 0.00016; 1000 Genomes Project 0.00020.
gnomAD v4.1: 5 of 1,610,210 alleles (0.00031%); highest among the groups gnomAD compares: African/African-American, 0.0013%; no homozygotes.

Submissions (6):

Labcorp Genetics (formerly Invitae), Labcorp
Classification: Uncertain significance for Fanconi anemia. Last evaluated: 2025-12-29. Review status: criteria provided, single submitter. Criteria: Invitae Variant Classification Sherloc (09022015). Collection method: clinical testing. Allele origin: germline.
Comment: This sequence change replaces histidine, which is basic and polar, with arginine, which is basic and polar, at codon 384 of the FANCC protein (p.His384Arg). This variant is present in population databases (rs577302082, gnomAD 0.007%). This variant has not been reported in the literature in individuals affected with FANCC-related conditions. ClinVar contains an entry for this variant (Variation ID: 818425). Invitae Evidence Modeling of protein sequence and biophysical properties (such as structural, functional, and spatial information, amino acid conservation, physicochemical variation, residue mobility, and thermodynamic stability) indicates that this missense variant is not expected to disrupt FANCC protein function with a negative predictive value of 80%. In summary, the available evidence is currently insufficient to determine the role of this variant in disease. Therefore, it has been classified as a Variant of Uncertain Significance.

ARUP Laboratories, Molecular Genetics and Genomics, ARUP Laboratories
Classification: Uncertain significance for Fanconi anemia complementation group C. Last evaluated: 2025-02-21. Review status: criteria provided, single submitter. Criteria: ARUP Molecular Germline Variant Investigation Process 2024. Collection method: clinical testing. Allele origin: germline.
Comment: The FANCC c.1151A>G; p.His384Arg variant (rs577302082), to our knowledge, is not reported in the medical literature but is reported in ClinVar (Variation ID: 818425). This variant is only observed on one allele in the Genome Aggregation Database (v2.1.1), indicating it is not a common polymorphism. Computational analyses predict that this variant is neutral (REVEL: 0.016). However, given the lack of clinical and functional data, the significance of this variant is uncertain at this time.

Fulgent Genetics
Classification: Uncertain significance for Fanconi anemia complementation group C. Last evaluated: 2024-01-23. Review status: criteria provided, single submitter. Criteria: ACMG Guidelines, 2015. Collection method: clinical testing. Allele origin: germline.

Ambry Genetics
Classification: Uncertain significance for Hereditary cancer-predisposing syndrome. Last evaluated: 2023-11-03. Review status: criteria provided, single submitter. Criteria: Ambry Variant Classification Scheme 2023. Collection method: clinical testing. Allele origin: germline.
Comment: The p.H384R variant (also known as c.1151A>G), located in coding exon 11 of the FANCC gene, results from an A to G substitution at nucleotide position 1151. The histidine at codon 384 is replaced by arginine, an amino acid with highly similar properties. This amino acid position is poorly conserved in available vertebrate species. In addition, this alteration is predicted to be tolerated by in silico analysis. Since supporting evidence is limited at this time, the clinical significance of this alteration remains unclear.

GeneDx
Classification: Uncertain significance. Last evaluated: 2021-10-07. Review status: criteria provided, single submitter. Criteria: GeneDx Variant Classification Process June 2021. Collection method: clinical testing. Allele origin: germline. Affected: yes.
Comment: Not observed at significant frequency in large population cohorts (Lek et al., 2016); In silico analysis supports that this missense variant does not alter protein structure/function; Has not been previously published as pathogenic or benign to our knowledge

Natera, Inc.
Classification: Uncertain significance for Fanconi anemia, group C. Last evaluated: 2020-09-16. Review status: no assertion criteria provided. Collection method: clinical testing. Allele origin: germline. Not counted in ClinVar's aggregate classification.